The following is an entry in ClinVar:

NM_032119.4(ADGRV1):c.2686G>A (p.Gly896Ser)

Gene: ADGRV1 (adhesion G protein-coupled receptor V1; plus strand). Cytogenetic location: 5q14.3.
Variant type: single nucleotide variant.
Coding change: c.2686G>A on transcript NM_032119.4 (MANE Select); coding-DNA position 2686, G replaced by A.
Protein change: p.Gly896Ser; replaces glycine 896 with serine.
Molecular consequence: missense variant. On other transcripts: non-coding transcript variant (1).
Genome position (GRCh38, 1-based): chr5:90,643,935, G>A. VCF-style: chr5-90643935-G-A. GRCh37 (hg19) VCF-style: chr5-89939752-G-A.
Other names: c.2686G>A (NM_032119.3); short protein forms G896S.
Identifiers: ClinVar variation 1374744 (VCV001374744.6), dbSNP rs758482276, ClinGen allele CA3338986.

ClinVar aggregate classification (germline): Uncertain significance. Review status: criteria provided, multiple submitters, no conflicts (2 of 4 stars). 3 submissions from 3 submitters: Uncertain significance (3). Last evaluated 2024-09-05.

Conditions:
Inborn genetic diseases. Identifiers: MedGen C0950123, MeSH D030342.

Allele frequency attached by ClinVar (database versions not stated): TOPMed 0.00002; gnomAD 0.00004.
gnomAD v4.1: 23 of 1,611,696 alleles (0.0014%); highest among the groups gnomAD compares: Admixed American, 0.005%; no homozygotes.

Submissions (3):

Labcorp Genetics (formerly Invitae), Labcorp
Classification: Uncertain significance. Last evaluated: 2024-09-05. Review status: criteria provided, single submitter. Criteria: Invitae Variant Classification Sherloc (09022015). Collection method: clinical testing. Allele origin: germline.
Comment: This sequence change replaces glycine, which is neutral and non-polar, with serine, which is neutral and polar, at codon 896 of the ADGRV1 protein (p.Gly896Ser). This variant is present in population databases (rs758482276, gnomAD 0.009%). This variant has not been reported in the literature in individuals affected with ADGRV1-related conditions. ClinVar contains an entry for this variant (Variation ID: 1374744). Invitae Evidence Modeling of protein sequence and biophysical properties (such as structural, functional, and spatial information, amino acid conservation, physicochemical variation, residue mobility, and thermodynamic stability) indicates that this missense variant is not expected to disrupt ADGRV1 protein function with a negative predictive value of 80%. Algorithms developed to predict the effect of sequence changes on RNA splicing suggest that this variant may disrupt the consensus splice site. In summary, the available evidence is currently insufficient to determine the role of this variant in disease. Therefore, it has been classified as a Variant of Uncertain Significance.

GeneDx
Classification: Uncertain significance. Last evaluated: 2023-05-08. Review status: criteria provided, single submitter. Criteria: GeneDx Variant Classification Process June 2021. Collection method: clinical testing. Allele origin: germline. Affected: yes.
Comment: In silico analysis supports that this missense variant does not alter protein structure/function; Has not been previously published as pathogenic or benign to our knowledge

Ambry Genetics
Classification: Uncertain significance for Inborn genetic diseases. Last evaluated: 2021-12-03. Review status: criteria provided, single submitter. Criteria: Ambry Variant Classification Scheme 2023. Collection method: clinical testing. Allele origin: germline.